The following is an entry in ClinVar:

NM_057175.5(NAA15):c.2284T>A (p.Leu762Met)

Gene: NAA15 (N-alpha-acetyltransferase 15, NatA auxiliary subunit; plus strand). Cytogenetic location: 4q31.1.
Variant type: single nucleotide variant.
Coding change: c.2284T>A on transcript NM_057175.5 (MANE Select); coding-DNA position 2284, T replaced by A.
Protein change: p.Leu762Met; replaces leucine 762 with methionine.
Molecular consequence: missense variant.
Genome position (GRCh38, 1-based): chr4:139,384,960, T>A. VCF-style: chr4-139384960-T-A. GRCh37 (hg19) VCF-style: chr4-140306114-T-A.
Other names: c.2281T>A, p.Leu761Met (NM_001410842.1); short protein forms L762M, L761M.
Identifiers: ClinVar variation 3730938 (VCV003730938.1).
Genomic context (GRCh38, chr4:139,384,960, plus strand): 5'-TTTGGAGCAACGAATCCAAAGAATTTTAATGAAACTTTTCTGAAAAGGAATTCTGATTCA[T>A]TGCCACACAGATTATCAGGTAATCACTTTATTTTATCCTTAGCCTTCTAAAACAACTTCA-3'
Protein context (NP_476516.1, residues 752-772): ETFLKRNSDS[Leu762Met]PHRLSAAKMV

ClinVar aggregate classification (germline): Uncertain significance (1 of 4 stars; one submission).

Submission:

GeneDx
Classification: Uncertain significance. Last evaluated: 2024-07-25. Review status: criteria provided, single submitter. Criteria: GeneDx Variant Classification Process June 2021. Collection method: clinical testing. Allele origin: germline. Affected: yes.
Comment: Not observed at significant frequency in large population cohorts (gnomAD); In silico analysis indicates that this missense variant does not alter protein structure/function; Has not been previously published as pathogenic or benign to our knowledge